The following is an entry in ClinVar:

ClinVar aggregate classification (germline): Uncertain significance. Review status: criteria provided, multiple submitters, no conflicts (2 of 4 stars). 3 submissions from 3 submitters: Uncertain significance (3). Last evaluated 2025-10-09.

Conditions:
Disseminated atypical mycobacterial infection. Identifiers: MedGen C0694566.
IFNGR1-related disorder. Also called: IFNGR1-related condition.

Allele frequency attached by ClinVar (database versions not stated): gnomAD 0.00001; ExAC 0.00002; gnomAD exomes 0.00002; TOPMed 0.00002.
gnomAD v4.1: 11 of 1,613,962 alleles (0.00068%); highest among the groups gnomAD compares: Middle Eastern, 0.016%; no homozygotes.

Submissions (3):

Labcorp Genetics (formerly Invitae), Labcorp
Classification: Uncertain significance for Disseminated atypical mycobacterial infection. Last evaluated: 2025-10-09. Review status: criteria provided, single submitter. Criteria: Invitae Variant Classification Sherloc (09022015). Collection method: clinical testing. Allele origin: germline.
Comment: This sequence change replaces proline, which is neutral and non-polar, with threonine, which is neutral and polar, at codon 381 of the IFNGR1 protein (p.Pro381Thr). This variant is present in population databases (rs747564587, gnomAD 0.009%). This variant has not been reported in the literature in individuals affected with IFNGR1-related conditions. ClinVar contains an entry for this variant (Variation ID: 966771). Invitae Evidence Modeling of protein sequence and biophysical properties (such as structural, functional, and spatial information, amino acid conservation, physicochemical variation, residue mobility, and thermodynamic stability) indicates that this missense variant is not expected to disrupt IFNGR1 protein function with a negative predictive value of 80%. In summary, the available evidence is currently insufficient to determine the role of this variant in disease. Therefore, it has been classified as a Variant of Uncertain Significance.

PreventionGenetics, part of Exact Sciences
Classification: Uncertain significance for IFNGR1-related condition. Last evaluated: 2024-10-08. Review status: criteria provided, single submitter. Criteria: ACMG Guidelines, 2015. Collection method: clinical testing. Allele origin: germline.
Comment: The IFNGR1 c.1141C>A variant is predicted to result in the amino acid substitution p.Pro381Thr. To our knowledge, this variant has not been reported in the literature. This variant is reported in 0.0087% of alleles in individuals of Latino descent in gnomAD. At this time, the clinical significance of this variant is uncertain due to the absence of conclusive functional and genetic evidence.

Breakthrough Genomics
Classification: Uncertain significance. Review status: criteria provided, single submitter. Criteria: ACMG Guidelines, 2015. Collection method: not provided. Allele origin: germline. Inheritance: Autosomal recessive inheritance. Affected: yes.

NM_000416.3(IFNGR1):c.1141C>A (p.Pro381Thr)

Gene: IFNGR1 (interferon gamma receptor 1; minus strand). Cytogenetic location: 6q23.3.
Variant type: single nucleotide variant.
Coding change: c.1141C>A on transcript NM_000416.3 (MANE Select); coding-DNA position 1141, C replaced by A.
Protein change: p.Pro381Thr; replaces proline 381 with threonine.
Molecular consequence: missense variant.
Genome position (GRCh38, 1-based): chr6:137,198,360, G>T on the plus strand (C>A on the coding strand, the complement: IFNGR1 is on the minus strand). VCF-style: chr6-137198360-G-T. GRCh37 (hg19) VCF-style: chr6-137519497-G-T.
Other names: c.1111C>A, p.Pro371Thr (NM_001363526.1); c.1018C>A, p.Pro340Thr (NM_001363527.1); short protein forms P340T, P371T, P381T.
Identifiers: ClinVar variation 966771 (VCV000966771.13), dbSNP rs747564587, ClinGen allele CA4018808.